The following is an entry in ClinVar:

ClinVar aggregate classification (germline): Uncertain significance. Review status: criteria provided, multiple submitters, no conflicts (2 of 4 stars). 2 submissions from 2 submitters: Uncertain significance (2). Last evaluated 2026-02-14.

Conditions:
Hereditary spastic paraplegia 11. Also called: SPASTIC PARAPLEGIA, AUTOSOMAL RECESSIVE, COMPLICATED, WITH THIN CORPUS CALLOSUM; SPASTIC PARAPLEGIA, AUTOSOMAL RECESSIVE, WITH MENTAL IMPAIRMENT AND THIN CORPUS CALLOSUM; Spastic Paraplegia 11; Nakamura Osame syndrome; Autosomal recessive hereditary spastic paraplegia, mental impairment, and thin corpus callosum; Spastic paraplegia, mental retardation and thin corpus callosum. Identifiers: Orphanet 2822, MedGen C1858479, MONDO:0011445, OMIM 604360.

Allele frequency attached by ClinVar (database versions not stated): gnomAD exomes 0.00001; ExAC 0.00003; TOPMed 0.00005; gnomAD 0.00007.

Submissions (2):

Women's Health and Genetics/Laboratory Corporation of America, LabCorp
Classification: Uncertain significance. Last evaluated: 2026-02-14. Review status: criteria provided, single submitter. Criteria: LabCorp Variant Classification Summary - May 2015. Collection method: clinical testing. Allele origin: germline.

Labcorp Genetics (formerly Invitae), Labcorp
Classification: Uncertain significance for Hereditary spastic paraplegia 11. Last evaluated: 2022-05-11. Review status: criteria provided, single submitter. Criteria: Invitae Variant Classification Sherloc (09022015). Collection method: clinical testing. Allele origin: germline.
Comment: This sequence change falls in intron 25 of the SPG11 gene. It does not directly change the encoded amino acid sequence of the SPG11 protein. It affects a nucleotide within the consensus splice site. This variant is present in population databases (rs747912187, gnomAD 0.04%). This variant has not been reported in the literature in individuals affected with SPG11-related conditions. Variants that disrupt the consensus splice site are a relatively common cause of aberrant splicing (PMID: 17576681, 9536098). Algorithms developed to predict the effect of sequence changes on RNA splicing suggest that this variant may disrupt the consensus splice site. In summary, the available evidence is currently insufficient to determine the role of this variant in disease. Therefore, it has been classified as a Variant of Uncertain Significance.

Literature cited by the submitters: PubMed 17576681 (cited by Labcorp Genetics (formerly Invitae), Labcorp); PubMed 9536098 (cited by Labcorp Genetics (formerly Invitae), Labcorp).

NM_025137.4(SPG11):c.4434+3G>A

Gene: SPG11 (SPG11 vesicle trafficking associated, spatacsin; minus strand). Cytogenetic location: 15q21.1.
Variant type: single nucleotide variant.
Coding change: c.4434+3G>A on transcript NM_025137.4 (MANE Select); 3 bases into the intron after coding-DNA position 4434, G replaced by A.
Molecular consequence: intron variant.
Genome position (GRCh38, 1-based): chr15:44,596,080, C>T on the plus strand (G>A on the coding strand, the complement: SPG11 is on the minus strand). VCF-style: chr15-44596080-C-T. GRCh37 (hg19) VCF-style: chr15-44888278-C-T.
Other names: c.4434+3G>A (NM_001160227.2).
Identifiers: ClinVar variation 2413417 (VCV002413417.4), dbSNP rs747912187, ClinGen allele CA7534692.